The following is an entry in ClinVar:

ClinVar aggregate classification (germline): Uncertain significance. Review status: criteria provided, multiple submitters, no conflicts (2 of 4 stars). 3 submissions from 3 submitters: Uncertain significance (3). Last evaluated 2025-05-17.

Conditions:
Fanconi anemia (FA). Also called: Fanconi's anemia. Identifiers: Orphanet 84, MedGen C0015625, MeSH D005199, MONDO:0019391.
Fanconi anemia complementation group A (FANCA). Also called: FANCA-Related Fanconi Anemia; Fanconi anemia, group A. Identifiers: Orphanet 84, MedGen C3469521, MONDO:0009215, OMIM 227650.

Allele frequency attached by ClinVar (database versions not stated): gnomAD exomes below 0.00001; gnomAD 0.00001; TOPMed 0.00002.
gnomAD v4.1: 2 of 1,611,580 alleles (0.00012%); no homozygotes.

Submissions (3):

Quest Diagnostics Nichols Institute San Juan Capistrano
Classification: Uncertain significance. Last evaluated: 2025-05-17. Review status: criteria provided, single submitter. Criteria: Quest Diagnostics criteria. Collection method: clinical testing. Allele origin: unknown.
Comment: The FANCA c.2180G>A (p.Cys727Tyr) variant has been reported in the published literature in an individual with ovarian cancer (PMID: 32546565 (2021)). The frequency of this variant in the general population (Genome Aggregation Database) is uninformative in the assessment of its pathogenicity. Analysis of this variant using bioinformatics tools for the prediction of the effect of amino acid changes on protein structure and function yielded predictions that this variant is damaging. Based on the available information, we are unable to determine the clinical significance of this variant.

Labcorp Genetics (formerly Invitae), Labcorp
Classification: Uncertain significance for Fanconi anemia. Last evaluated: 2024-03-29. Review status: criteria provided, single submitter. Criteria: Invitae Variant Classification Sherloc (09022015). Collection method: clinical testing. Allele origin: germline.
Comment: This sequence change replaces cysteine, which is neutral and slightly polar, with tyrosine, which is neutral and polar, at codon 727 of the FANCA protein (p.Cys727Tyr). This variant is present in population databases (no rsID available, gnomAD 0.01%). This variant has not been reported in the literature in individuals affected with FANCA-related conditions. ClinVar contains an entry for this variant (Variation ID: 1389605). Advanced modeling of protein sequence and biophysical properties (such as structural, functional, and spatial information, amino acid conservation, physicochemical variation, residue mobility, and thermodynamic stability) performed at Invitae indicates that this missense variant is expected to disrupt FANCA protein function with a positive predictive value of 80%. In summary, the available evidence is currently insufficient to determine the role of this variant in disease. Therefore, it has been classified as a Variant of Uncertain Significance.

Fulgent Genetics
Classification: Uncertain significance for Fanconi anemia complementation group A. Last evaluated: 2022-01-06. Review status: criteria provided, single submitter. Criteria: ACMG Guidelines, 2015. Collection method: clinical testing. Allele origin: unknown.

Literature cited by the submitters: PubMed 32546565 (cited by Quest Diagnostics Nichols Institute San Juan Capistrano).

NM_000135.4(FANCA):c.2180G>A (p.Cys727Tyr)

Gene: FANCA (FA complementation group A; minus strand). Cytogenetic location: 16q24.3.
Variant type: single nucleotide variant.
Coding change: c.2180G>A on transcript NM_000135.4 (MANE Select); coding-DNA position 2180, G replaced by A.
Protein change: p.Cys727Tyr; replaces cysteine 727 with tyrosine.
Molecular consequence: missense variant.
Genome position (GRCh38, 1-based): chr16:89,770,606, C>T on the plus strand (G>A on the coding strand, the complement: FANCA is on the minus strand). VCF-style: chr16-89770606-C-T. GRCh37 (hg19) VCF-style: chr16-89837014-C-T.
Other names: c.2180G>A, p.Cys727Tyr (NM_001286167.3); c.2180G>A (NM_000135.3); short protein forms C727Y.
Identifiers: ClinVar variation 1389605 (VCV001389605.7), dbSNP rs1425954290, ClinGen allele CA397447256.